The following is an entry in ClinVar:

NC_000003.12:g.(?_81761375)_(81761517_?)del

Gene: GBE1 (1,4-alpha-glucan branching enzyme 1; minus strand). Cytogenetic location: 3p12.2.
Variant type: Deletion.
Identifiers: ClinVar variation 583853 (VCV000583853.1).

ClinVar aggregate classification (germline): Pathogenic (1 of 4 stars; one submission).

Conditions:
Glycogen storage disease IV, classic hepatic. Also called: GSD IV, CLASSIC HEPATIC. Identifiers: MedGen C1856301.
Glycogen storage disease, type IV (GSD4). Also called: Glycogen storage disease due to glycogen branching enzyme deficiency; AMYLOPECTINOSIS; ANDERSEN DISEASE; BRANCHER DEFICIENCY; CIRRHOSIS, FAMILIAL, WITH DEPOSITION OF ABNORMAL GLYCOGEN; GBE1 DEFICIENCY. Identifiers: Orphanet 367, MedGen C0017923, MONDO:0009292, OMIM 232500.

Submission:

Labcorp Genetics (formerly Invitae), Labcorp
Classification: Pathogenic for Glycogen storage disease, type IV; Glycogen storage disease IV, classic hepatic. Last evaluated: 2017-09-06. Review status: criteria provided, single submitter. Criteria: Invitae Variant Classification Sherloc (09022015). Collection method: clinical testing. Allele origin: germline.
Comment: A gross deletion of the genomic region encompassing the full coding sequence of the GBE1 gene has been identified. The boundaries of this event are unknown as the deletion extends beyond the assayed region for this gene and therefore may encompass additional genes. This whole-gene deletion has not been reported in the literature in individuals with GBE1-related disease. Loss-of-function variants in GBE1 are known to be pathogenic (PMID: 9851430, 15452297, 20058079, 23034915). For these reasons, this variant has been classified as Pathogenic.